The following is an entry in ClinVar:

NM_001079866.2(BCS1L):c.217C>G (p.Arg73Gly)

Gene: BCS1L (BCS1 homolog, ubiquinol-cytochrome c reductase complex chaperone; plus strand). Cytogenetic location: 2q35.
Variant type: single nucleotide variant.
Coding change: c.217C>G on transcript NM_001079866.2 (MANE Select); coding-DNA position 217, C replaced by G.
Protein change: p.Arg73Gly; replaces arginine 73 with glycine.
Molecular consequence: missense variant. On other transcripts: 5 prime UTR variant (5), non-coding transcript variant (1), intron variant (3).
Genome position (GRCh38, 1-based): chr2:218,661,204, C>G. VCF-style: chr2-218661204-C-G. GRCh37 (hg19) VCF-style: chr2-219525927-C-G.
Other names: c.217C>G, p.Arg73Gly (NM_001257342.2, NM_001257343.2, NM_001257344.2 and 10 more transcripts); c.-260C>G (NM_001371453.1, NM_001371454.1, NM_001371455.1 and 2 more transcripts); c.-40-202C>G (NM_001371451.1, NM_001318836.2); c.-41-555C>G (NM_001371452.1); short protein forms R73G.
Identifiers: ClinVar variation 2041499 (VCV002041499.1), dbSNP rs140812286, ClinGen allele CA65808578.

ClinVar aggregate classification (germline): Uncertain significance (1 of 4 stars; one submission).

Submission:

Labcorp Genetics (formerly Invitae), Labcorp
Classification: Uncertain significance. Last evaluated: 2022-08-09. Review status: criteria provided, single submitter. Criteria: Invitae Variant Classification Sherloc (09022015). Collection method: clinical testing. Allele origin: germline.
Comment: This sequence change replaces arginine, which is basic and polar, with glycine, which is neutral and non-polar, at codon 73 of the BCS1L protein (p.Arg73Gly). This variant is not present in population databases (gnomAD no frequency). This variant has not been reported in the literature in individuals affected with BCS1L-related conditions. Algorithms developed to predict the effect of missense changes on protein structure and function (SIFT, PolyPhen-2, Align-GVGD) all suggest that this variant is likely to be tolerated. In summary, the available evidence is currently insufficient to determine the role of this variant in disease. Therefore, it has been classified as a Variant of Uncertain Significance.